The following is an entry in ClinVar:

ClinVar aggregate classification (germline): Uncertain significance (1 of 4 stars; one submission).

gnomAD v4.1: 2 of 1,551,802 alleles (0.00013%); highest among the groups gnomAD compares: Non-Finnish European, 0.00017%; no homozygotes.

Submission:

GeneDx
Classification: Uncertain significance. Last evaluated: 2026-04-17. Review status: criteria provided, single submitter. Criteria: GeneDx Variant Classification Process June 2021. Collection method: clinical testing. Allele origin: germline.
Comment: Not observed at significant frequency in large population cohorts (gnomAD); In silico analysis supports that this missense variant has a deleterious effect on protein structure/function; Has not been previously published as pathogenic or benign to our knowledge

NM_001367479.1(DNAH14):c.13703C>A (p.Pro4568Gln)

Gene: DNAH14 (dynein axonemal heavy chain 14; plus strand). Cytogenetic location: 1q42.12.
Variant type: single nucleotide variant.
Coding change: c.13703C>A on transcript NM_001367479.1 (MANE Select); coding-DNA position 13703, C replaced by A.
Protein change: p.Pro4568Gln; replaces proline 4568 with glutamine.
Molecular consequence: missense variant.
Genome position (GRCh38, 1-based): chr1:225,399,118, C>A. VCF-style: chr1-225399118-C-A. GRCh37 (hg19) VCF-style: chr1-225586820-C-A.
Other names: NM_001373.1:c.13397C>A; short protein forms P4568Q.
Identifiers: ClinVar variation 3776320 (VCV003776320.2).